The following is an entry in ClinVar:

ClinVar aggregate classification (germline): Uncertain significance. Review status: criteria provided, multiple submitters, no conflicts (2 of 4 stars). 2 submissions from 2 submitters: Uncertain significance (2). Last evaluated 2023-06-09.

Conditions:
Epidermolysis bullosa simplex 3, localized or generalized intermediate, with BP230 deficiency (EBS3). Also called: Epidermolysis bullosa simplex due to BP230 deficiency; Epidermolysis bullosa simplex, autosomal recessive 2. Identifiers: Orphanet 412181, MedGen C3809470, MONDO:0014180, OMIM 615425.
Hereditary sensory and autonomic neuropathy type 6. Also called: HSAN VI; Neuropathy, hereditary sensory and autonomic, type VI. Identifiers: Orphanet 314381, MedGen C3539003, MONDO:0013839, OMIM 614653.
Inborn genetic diseases. Identifiers: MedGen C0950123, MeSH D030342.

Allele frequency attached by ClinVar (database versions not stated): gnomAD 0.00001; ExAC 0.00002; gnomAD exomes 0.00002 and 0.00004; TOPMed 0.00003.
gnomAD v4.1: 59 of 1,613,672 alleles (0.0037%); highest among the groups gnomAD compares: Non-Finnish European, 0.0047%; no homozygotes.

Submissions (2):

Ambry Genetics
Classification: Uncertain significance for Inborn genetic diseases. Last evaluated: 2023-06-09. Review status: criteria provided, single submitter. Criteria: Ambry Variant Classification Scheme 2023. Collection method: clinical testing. Allele origin: germline.

Labcorp Genetics (formerly Invitae), Labcorp
Classification: Uncertain significance for Epidermolysis bullosa simplex 3, localized or generalized intermediate, with BP230 deficiency; Hereditary sensory and autonomic neuropathy type 6. Last evaluated: 2022-07-12. Review status: criteria provided, single submitter. Criteria: Invitae Variant Classification Sherloc (09022015). Collection method: clinical testing. Allele origin: germline.
Comment: The DST gene has multiple clinically relevant transcripts. This variant occurs in alternate transcript NM_015548.4, and corresponds to NM_001723.5:c.*62253G>T in the primary transcript. This sequence change replaces glutamic acid, which is acidic and polar, with aspartic acid, which is acidic and polar, at codon 2553 of the DST protein (p.Glu2553Asp). This variant is present in population databases (rs748574567, gnomAD 0.004%). This variant has not been reported in the literature in individuals affected with DST-related conditions. Experimental studies and prediction algorithms are not available or were not evaluated, and the functional significance of this variant is currently unknown. In summary, the available evidence is currently insufficient to determine the role of this variant in disease. Therefore, it has been classified as a Variant of Uncertain Significance.

NM_001374736.1(DST):c.15528G>T (p.Glu5176Asp)

Gene: DST (dystonin; minus strand). Cytogenetic location: 6p12.1.
Variant type: single nucleotide variant.
Coding change: c.15528G>T on transcript NM_001374736.1 (MANE Select); coding-DNA position 15528, G replaced by T.
Protein change: p.Glu5176Asp; replaces glutamic acid 5176 with aspartic acid.
Molecular consequence: missense variant.
Genome position (GRCh38, 1-based): chr6:56,553,264, C>A on the plus strand (G>T on the coding strand, the complement: DST is on the minus strand). VCF-style: chr6-56553264-C-A. GRCh37 (hg19) VCF-style: chr6-56418062-C-A.
Other names: c.9171G>T (NM_001144769.2); c.9171G>T, p.Glu3057Asp (NM_001144769.5); c.8757G>T, p.Glu2919Asp (NM_001144770.2); c.15528G>T, p.Glu5176Asp (NM_001374722.1); c.14895G>T, p.Glu4965Asp (NM_001374729.1); c.8637G>T, p.Glu2879Asp (NM_001374730.1, NM_001386100.1, NM_183380.4); c.15555G>T, p.Glu5185Asp (NM_001374734.1); c.7659G>T, p.Glu2553Asp (NM_015548.5); short protein forms E2553D, E2879D, E2919D, E3057D, E4965D, E5176D, E5185D.
Identifiers: ClinVar variation 1056759 (VCV001056759.7), dbSNP rs748574567, ClinGen allele CA3867808.